The following is an entry in ClinVar:

ClinVar aggregate classification (germline): Uncertain significance. Review status: criteria provided, multiple submitters, no conflicts (2 of 4 stars). 2 submissions from 2 submitters: Uncertain significance (2). Last evaluated 2025-09-12.

Conditions:
Long QT syndrome (LQTS). Identifiers: MedGen C0023976, MeSH D008133, MONDO:0002442. Disease mechanism: loss of function. Inheritance: Various modes of inheritance.
Cardiovascular phenotype. Identifiers: MedGen CN230736.

gnomAD v4.1: 3 of 1,613,872 alleles (0.00019%); highest among the groups gnomAD compares: African/African-American, 0.004%; no homozygotes.

Submissions (2):

Ambry Genetics
Classification: Uncertain significance for Cardiovascular phenotype. Last evaluated: 2025-09-12. Review status: criteria provided, single submitter. Criteria: Ambry Variant Classification Scheme 2023. Collection method: clinical testing. Allele origin: germline.
Comment: The p.A289T variant (also known as c.865G>A), located in coding exon 4 of the SNTA1 gene, results from a G to A substitution at nucleotide position 865. The alanine at codon 289 is replaced by threonine, an amino acid with similar properties. This amino acid position is conserved. In addition, this alteration is predicted to be tolerated by in silico analysis. Based on the available evidence, the clinical significance of this variant remains unclear.

Labcorp Genetics (formerly Invitae), Labcorp
Classification: Uncertain significance for Long QT syndrome. Last evaluated: 2024-09-30. Review status: criteria provided, single submitter. Criteria: Invitae Variant Classification Sherloc (09022015). Collection method: clinical testing. Allele origin: germline.
Comment: This sequence change replaces alanine, which is neutral and non-polar, with threonine, which is neutral and polar, at codon 289 of the SNTA1 protein (p.Ala289Thr). This variant is present in population databases (no rsID available, gnomAD 0.01%). This variant has not been reported in the literature in individuals affected with SNTA1-related conditions. An algorithm developed to predict the effect of missense changes on protein structure and function outputs the following: PolyPhen-2: "Benign". The threonine amino acid residue is found in multiple mammalian species, which suggests that this missense change does not adversely affect protein function. In summary, the available evidence is currently insufficient to determine the role of this variant in disease. Therefore, it has been classified as a Variant of Uncertain Significance.

NM_003098.3(SNTA1):c.865G>A (p.Ala289Thr)

Gene: SNTA1 (syntrophin alpha 1; minus strand). Cytogenetic location: 20q11.21.
Variant type: single nucleotide variant.
Coding change: c.865G>A on transcript NM_003098.3 (MANE Select); coding-DNA position 865, G replaced by A.
Protein change: p.Ala289Thr; replaces alanine 289 with threonine.
Molecular consequence: missense variant.
Genome position (GRCh38, 1-based): chr20:33,412,619, C>T on the plus strand (G>A on the coding strand, the complement: SNTA1 is on the minus strand). VCF-style: chr20-33412619-C-T. GRCh37 (hg19) VCF-style: chr20-32000425-C-T.
Other names: c.865G>A, p.Ala289Thr (NM_001424413.1, NM_001424414.1); short protein forms A289T.
Identifiers: ClinVar variation 3666076 (VCV003666076.3).
Genomic context (GRCh38, chr20:33,412,619, plus strand): 5'-CAGGCCCAGCAGGTACCTGCTCAGTTAGCCAGCCAATCTGCTTGATGTCCTGGCTCCCAG[C>T]TGTGCTGGTGGCTGCCAACAGTGCCTGCAGCTCATCCTTGACCCGCGGCGTCAGAGTATT-3'
Protein context (NP_003089.1, residues 279-299): LQALLAATST[Ala289Thr]GSQDIKQIGW